The following is an entry in ClinVar:

NM_000038.6(APC):c.729+3del

Gene: APC (APC regulator of Wnt signaling pathway; plus strand). Cytogenetic location: 5q22.2.
Variant type: Deletion.
Coding change: c.729+3del on transcript NM_000038.6 (MANE Select); 3 bases into the intron after coding-DNA position 729, one base deleted (T; older notation c.729+3delT).
Molecular consequence: splice donor variant. On other transcripts: intron variant (2).
Genome position (GRCh38, 1-based): chr5:112,792,532, T deleted; the last of 2 consecutive T bases (chr5:112,792,531-112,792,532); deleting either gives the same sequence. VCF-style (leftmost placement, unchanged base first): chr5-112792530-GT-G. GRCh37 (hg19) VCF-style: chr5-112128227-GT-G.
Other names: c.729+3del (NM_001354895.2, NM_001127510.3, NM_001354896.2 and 1 more transcripts); c.759+3del (NM_001354897.2, NM_001354902.2); c.676-8747del (NM_001127511.3); c.654+3del (NM_001354898.2, NM_001354904.2); c.-307+3del (NM_001354906.2); c.646-8747del (NM_001354899.2); c.552+3del (NM_001354900.2, NM_001354901.2, NM_001354905.2); c.729+3delT (NM_000038.5).
Identifiers: ClinVar variation 411402 (VCV000411402.17), dbSNP rs780245766, ClinGen allele CA047600.
Genomic context (GRCh38, chr5:112,792,530, plus strand): 5'-ATCGAAAAGGACATACTTCGTATACGACAGCTTTTACAGTCCCAAGCAACAGAAGCAGAG[GT>G]TAGTAAATTGCCTTTCTTGTTTGTGGGTATAAAAATAGGTAGTTATTCTGAGAAAAGAAA-3'

ClinVar aggregate classification (germline): Uncertain significance. Review status: criteria provided, multiple submitters, no conflicts (2 of 4 stars). 6 submissions from 6 submitters: Uncertain significance (6). Last evaluated 2026-01-21.

Conditions:
Familial adenomatous polyposis 1 (FAP1). Also called: FAMILIAL ADENOMATOUS POLYPOSIS 1, ATTENUATED; POLYPOSIS, ADENOMATOUS INTESTINAL. Identifiers: MedGen C2713442, MONDO:0021056, OMIM 175100. Disease mechanism: loss of function.
Hereditary cancer-predisposing syndrome. Also called: Tumor predisposition; Hereditary Cancer Syndrome; Hereditary neoplastic syndrome; Neoplastic Syndromes, Hereditary. Identifiers: Orphanet 140162, MedGen C0027672, MeSH D009386, MONDO:0015356.
Classic or attenuated familial adenomatous polyposis. Identifiers: MedGen CN372698, MONDO:0021057.

Submissions (6):

Labcorp Genetics (formerly Invitae), Labcorp
Classification: Uncertain significance for Familial adenomatous polyposis 1. Last evaluated: 2026-01-21. Review status: criteria provided, single submitter. Criteria: Invitae Variant Classification Sherloc (09022015). Collection method: clinical testing. Allele origin: germline.
Comment: This sequence change falls in intron 7 of the APC gene. It does not directly change the encoded amino acid sequence of the APC protein. It affects a nucleotide within the consensus splice site. This variant is present in population databases (rs780245766, gnomAD 0.007%). This variant has been observed in individual(s) with breast cancer (PMID: 29625052). This variant is also known as c.729+2delN. ClinVar contains an entry for this variant (Variation ID: 411402). Variants that disrupt the consensus splice site are a relatively common cause of aberrant splicing (PMID: 17576681, 9536098). Studies have shown that this variant is associated with inconclusive levels of altered splicing (internal data). In summary, the available evidence is currently insufficient to determine the role of this variant in disease. Therefore, it has been classified as a Variant of Uncertain Significance.

Ambry Genetics
Classification: Uncertain significance for Hereditary cancer-predisposing syndrome. Last evaluated: 2024-05-27. Review status: criteria provided, single submitter. Criteria: Ambry Variant Classification Scheme 2023. Collection method: clinical testing. Allele origin: germline.
Comment: The c.729+3delT intronic variant, located in intron 6 of the APC gene, results from a deletion of one nucleotide within intron 6 of the APC gene. This nucleotide position is highly conserved in available vertebrate species. In silico splice site analysis for this alteration is inconclusive. Since supporting evidence is limited at this time, the clinical significance of this alteration remains unclear.

All of Us Research Program, National Institutes of Health
Classification: Uncertain significance for Classic or attenuated familial adenomatous polyposis. Last evaluated: 2024-02-22. Review status: criteria provided, single submitter. Criteria: ACMG Guidelines, 2015. Collection method: clinical testing. Allele origin: germline. Inheritance: Autosomal dominant inheritance. Observed: 2 variant alleles, 2 heterozygotes.
Comment: This variant causes a deletion of T in the +3 position in intron 7 of the APC gene. Splice site prediction tools suggest that this variant may not impact RNA splicing. To our knowledge, functional studies have not been reported for this variant. This variant has not been reported in individuals affected with APC-related disorders in the literature. This variant has been identified in 1/251098 chromosomes in the general population by the Genome Aggregation Database (gnomAD). The available evidence is insufficient to determine the role of this variant in disease conclusively. Therefore, this variant is classified as a Variant of Uncertain Significance.

This study involves interpretation of variants in research participants for the purpose of population health screening. Participant phenotype was not available at the time of variant classification. Additional details can be found in publication PMID: 35346344, PMCID: PMC8962531

Color Diagnostics, LLC DBA Color Health
Classification: Uncertain significance for Hereditary cancer-predisposing syndrome. Last evaluated: 2024-01-30. Review status: criteria provided, single submitter. Criteria: ACMG Guidelines, 2015. Collection method: clinical testing. Allele origin: germline.
Comment: This variant causes a deletion of T in the +3 position in intron 7 of the APC gene. Splice site prediction tools suggest that this variant may not impact RNA splicing. To our knowledge, functional studies have not been reported for this variant. This variant has not been reported in individuals affected with APC-related disorders in the literature. This variant has been identified in 1/251098 chromosomes in the general population by the Genome Aggregation Database (gnomAD). The available evidence is insufficient to determine the role of this variant in disease conclusively. Therefore, this variant is classified as a Variant of Uncertain Significance.

Quest Diagnostics Nichols Institute San Juan Capistrano
Classification: Uncertain significance. Last evaluated: 2023-02-01. Review status: criteria provided, single submitter. Criteria: Quest Diagnostics criteria. Collection method: clinical testing. Allele origin: unknown.
Comment: The frequency of this variant in the general population, 0.000004 (1/251098 chromosomes), is uninformative in assessment of its pathogenicity. In the published literature, the variant (also known as c.729+2del) has been reported in at least one individual with breast cancer (PMID: 29625052 (2018)). Analysis of this variant using software algorithms for the prediction of the effect of nucleotide changes on splicing yielded predictions that this variant may affect proper APC mRNA splicing . Based on the available information, we are unable to determine the clinical significance of this variant.

GeneDx
Classification: Uncertain significance. Last evaluated: 2021-06-10. Review status: criteria provided, single submitter. Criteria: GeneDx Variant Classification Process June 2021. Collection method: clinical testing. Allele origin: germline. Affected: yes.
Comment: Not observed at significant frequency in large population cohorts (Lek 2016); In silico analysis, which includes splice predictors and evolutionary conservation, suggests this variant may impact gene splicing. In the absence of RNA/functional studies, the actual effect of this sequence change is unknown.; Observed in an individual with breast cancer (Huang 2018); This variant is associated with the following publications: (PMID: 29625052)

Literature cited by the submitters: PubMed 29625052 (cited by Labcorp Genetics (formerly Invitae), Labcorp and Quest Diagnostics Nichols Institute San Juan Capistrano); PubMed 17576681 (cited by Labcorp Genetics (formerly Invitae), Labcorp); PubMed 9536098 (cited by Labcorp Genetics (formerly Invitae), Labcorp).